The following is an entry in ClinVar:

NM_022095.4(ZNF335):c.2185A>T (p.Ile729Phe)

Gene: ZNF335 (zinc finger protein 335; minus strand). Cytogenetic location: 20q13.12.
Variant type: single nucleotide variant.
Coding change: c.2185A>T on transcript NM_022095.4 (MANE Select); coding-DNA position 2185, A replaced by T.
Protein change: p.Ile729Phe; replaces isoleucine 729 with phenylalanine.
Molecular consequence: missense variant.
Genome position (GRCh38, 1-based): chr20:45,959,269, T>A on the plus strand (A>T on the coding strand, the complement: ZNF335 is on the minus strand). VCF-style: chr20-45959269-T-A. GRCh37 (hg19) VCF-style: chr20-44587908-T-A.
Other names: short protein forms I729F.
Identifiers: ClinVar variation 624195 (VCV000624195.58), dbSNP rs190178539, ClinGen allele CA9885454.

ClinVar aggregate classification (germline): Conflicting classifications of pathogenicity. Review status: criteria provided, conflicting classifications (1 of 4 stars). 5 submissions from 5 submitters: Uncertain significance (1); Likely benign (3). 1 of the submissions does not count toward it. Last evaluated 2026-02-01.

Conditions:
ZNF335-related disorder. Also called: ZNF335-related condition.

Allele frequency attached by ClinVar (database versions not stated): gnomAD 0.00039 and 0.00040; gnomAD exomes 0.00058 and 0.00082; TOPMed 0.00068; ESP Exome Variant Server 0.00069; 1000 Genomes Project 30x 0.00078; 1000 Genomes Project 0.00080; ExAC 0.00082.
gnomAD v4.1: 909 of 1,523,444 alleles (0.06%); highest among the groups gnomAD compares: Middle Eastern, 0.4%; 2 homozygotes.

Submissions (5):

CeGaT Center for Human Genetics Tuebingen
Classification: Likely benign. Last evaluated: 2026-02-01. Review status: criteria provided, single submitter. Criteria: CeGaT Center For Human Genetics Tuebingen Variant Classification Criteria Version 2. Collection method: clinical testing. Allele origin: germline. Affected: yes. Observed: 2 variant alleles.
Comment: ZNF335: BS2

Labcorp Genetics (formerly Invitae), Labcorp
Classification: Likely benign. Last evaluated: 2026-01-05. Review status: criteria provided, single submitter. Criteria: Invitae Variant Classification Sherloc (09022015). Collection method: clinical testing. Allele origin: germline.

GeneDx
Classification: Likely benign. Last evaluated: 2019-10-14. Review status: criteria provided, single submitter. Criteria: GeneDx Variant Classification Process June 2021. Collection method: clinical testing. Allele origin: germline. Affected: yes.

Genetic Services Laboratory, University of Chicago
Classification: Uncertain significance. Last evaluated: 2018-04-27. Review status: criteria provided, single submitter. Criteria: ACMG Guidelines, 2015. Collection method: clinical testing. Allele origin: germline. Affected: no.

PreventionGenetics, part of Exact Sciences
Classification: Likely benign for ZNF335-related condition. Last evaluated: 2022-06-06. Review status: no assertion criteria provided. Collection method: clinical testing. Allele origin: germline. Not counted in ClinVar's aggregate classification.
Comment: This variant is classified as likely benign based on ACMG/AMP sequence variant interpretation guidelines (Richards et al. 2015 PMID: 25741868, with internal and published modifications).